The following is an entry in ClinVar:

ClinVar aggregate classification (germline): Benign. Review status: criteria provided, multiple submitters, no conflicts (2 of 4 stars). 4 submissions from 4 submitters: Benign (3). 1 of the submissions does not count toward it. Last evaluated 2023-11-29.

Conditions:
ALPHA-2-MACROGLOBULIN POLYMORPHISM.

Allele frequency attached by ClinVar (database versions not stated): 1000 Genomes Project 0.25439; 1000 Genomes Project 30x 0.26187; gnomAD exomes 0.30982 and 0.32971; ExAC 0.31021; TOPMed 0.31816; gnomAD 0.32391 and 0.33134.
gnomAD v4.1: 529,148 of 1,612,050 alleles (33%); highest among the groups gnomAD compares: Admixed American, 38%; 90,577 homozygotes.

Submissions (4):

ARUP Laboratories, Molecular Genetics and Genomics, ARUP Laboratories
Classification: Benign. Last evaluated: 2023-11-29. Review status: criteria provided, single submitter. Criteria: ARUP Molecular Germline Variant Investigation Process 2024. Collection method: clinical testing. Allele origin: germline.

GeneDx
Classification: Benign. Last evaluated: 2019-09-17. Review status: criteria provided, single submitter. Criteria: GeneDx Variant Classification Process June 2021. Collection method: clinical testing. Allele origin: germline. Affected: yes.
Comment: This variant is associated with the following publications: (PMID: 9811940, 24039871)

Breakthrough Genomics
Classification: Benign. Review status: criteria provided, single submitter. Criteria: ACMG Guidelines, 2015. Collection method: not provided. Allele origin: germline. Inheritance: Unknown mechanism. Affected: yes.

OMIM
Classification: Benign for ALPHA-2-MACROGLOBULIN POLYMORPHISM. Last evaluated: 2004-03-01. Review status: no assertion criteria provided. Collection method: literature only. Allele origin: germline. Not counted in ClinVar's aggregate classification.

Literature cited by the submitters: PubMed 1370808 (cited by OMIM); PubMed 9811940 (cited by OMIM); PubMed 15023809 (cited by OMIM).

NM_000014.6(A2M):c.2998A>G (p.Ile1000Val)

Genes: A2M (alpha-2-macroglobulin; minus strand), KLRG1 (killer cell lectin like receptor G1; plus strand). Cytogenetic location: 12p13.31.
Variant type: single nucleotide variant.
Coding change: c.2998A>G on transcript NM_000014.6 (MANE Select); coding-DNA position 2998, A replaced by G.
Protein change: p.Ile1000Val; replaces isoleucine 1000 with valine.
Molecular consequence: missense variant.
Genome position (GRCh38, 1-based): chr12:9,079,672, T>C on the plus strand (A>G on the coding strand, the complement: A2M is on the minus strand). VCF-style: chr12-9079672-T-C. GRCh37 (hg19) VCF-style: chr12-9232268-T-C.
Other names: A2M, VAL1000ILE; V1000I; c.2998A>G, p.Ile1000Val (NM_001347423.2); c.2698A>G, p.Ile900Val (NM_001347424.2); c.2548A>G, p.Ile850Val (NM_001347425.2); short protein forms I1000V, I900V, I850V.
Identifiers: ClinVar variation 18171 (VCV000018171.9), dbSNP rs669, ClinGen allele CA127858.